The following is an entry in ClinVar:

ClinVar aggregate classification (germline): Conflicting classifications of pathogenicity. Review status: criteria provided, conflicting classifications (1 of 4 stars). 4 submissions from 4 submitters: Uncertain significance (1); Likely benign (3). Last evaluated 2024-07-01.

Allele frequency attached by ClinVar (database versions not stated): gnomAD 0.00001 and 0.00002; TOPMed 0.00002; 1000 Genomes Project 0.00020; 1000 Genomes Project 30x 0.00031.
gnomAD v4.1: 37 of 1,584,934 alleles (0.0023%); highest among the groups gnomAD compares: South Asian, 0.035%; 1 homozygote.

Submissions (4):

CeGaT Center for Human Genetics Tuebingen
Classification: Likely benign. Last evaluated: 2024-07-01. Review status: criteria provided, single submitter. Criteria: CeGaT Center For Human Genetics Tuebingen Variant Classification Criteria Version 2. Collection method: clinical testing. Allele origin: germline. Affected: yes. Observed: 1 variant allele.
Comment: MYO15A: BP4, BP7

Labcorp Genetics (formerly Invitae), Labcorp
Classification: Likely benign. Last evaluated: 2024-04-03. Review status: criteria provided, single submitter. Criteria: Invitae Variant Classification Sherloc (09022015). Collection method: clinical testing. Allele origin: germline.

Blueprint Genetics
Classification: Uncertain significance. Last evaluated: 2022-05-31. Review status: criteria provided, single submitter. Criteria: ACMG Guidelines, 2015. Collection method: clinical testing. Allele origin: germline.

Laboratory for Molecular Medicine, Mass General Brigham Personalized Medicine
Classification: Likely benign. Last evaluated: 2015-09-03. Review status: criteria provided, single submitter. Criteria: LMM Criteria. Collection method: clinical testing. Allele origin: germline. Observed: 1 variant allele.
Comment: p.Ala2462Ala in exon 37 of MYO15A: This variant is not expected to have clinical significance because it does not alter an amino acid residue and is not located within the splice consensus sequence. It has been identified in 4/9724 of South Asian chromosomes by the Exome Aggregation Consortium (ExAC;rs568637767).

NM_016239.4(MYO15A):c.7386C>T (p.Ala2462=)

Gene: MYO15A (myosin XVA; plus strand). Cytogenetic location: 17p11.2.
Variant type: single nucleotide variant.
Coding change: c.7386C>T on transcript NM_016239.4 (MANE Select); coding-DNA position 7386, C replaced by T.
Protein change: p.Ala2462=; no amino-acid change (alanine 2462 retained).
Molecular consequence: synonymous variant.
Genome position (GRCh38, 1-based): chr17:18,150,756, C>T. VCF-style: chr17-18150756-C-T. GRCh37 (hg19) VCF-style: chr17-18054070-C-T.
Identifiers: ClinVar variation 227650 (VCV000227650.25), dbSNP rs568637767, ClinGen allele CA8424822.